The following is an entry in ClinVar:

NM_000257.4(MYH7):c.2974C>A (p.Leu992Met)

Gene: MYH7 (myosin heavy chain 7; minus strand). Cytogenetic location: 14q11.2.
Variant type: single nucleotide variant.
Coding change: c.2974C>A on transcript NM_000257.4 (MANE Select); coding-DNA position 2974, C replaced by A.
Protein change: p.Leu992Met; replaces leucine 992 with methionine.
Molecular consequence: missense variant.
Genome position (GRCh38, 1-based): chr14:23,423,672, G>T on the plus strand (C>A on the coding strand, the complement: MYH7 is on the minus strand). VCF-style: chr14-23423672-G-T. GRCh37 (hg19) VCF-style: chr14-23892881-G-T.
Other names: p.L992M:CTG>ATG; c.2974C>A (LRG_384t1); short protein forms L992M.
Identifiers: ClinVar variation 181208 (VCV000181208.38), dbSNP rs149840927, ClinGen allele CA013260.

ClinVar aggregate classification (germline): Uncertain significance. Review status: criteria provided, multiple submitters, no conflicts (2 of 4 stars). 5 submissions from 5 submitters: Uncertain significance (5). Last evaluated 2025-07-11.

Conditions:
Cardiovascular phenotype. Identifiers: MedGen CN230736.
Cardiomyopathy (CMYO). Also called: Cardiomyopathies. Identifiers: Orphanet 167848, MedGen C0878544, MONDO:0004994, HP:0001638. Inheritance: Various modes of inheritance.
Hypertrophic cardiomyopathy. Also called: HYPERTROPHIC MYOCARDIOPATHY. Identifiers: Orphanet 217569, MedGen C0007194, MeSH D002312, MONDO:0005045, HP:0001639.

Allele frequency attached by ClinVar (database versions not stated): gnomAD exomes below 0.00001 and 0.00001; ExAC 0.00002; ESP Exome Variant Server 0.00008.
gnomAD v4.1: 3 of 1,614,070 alleles (0.00019%); highest among the groups gnomAD compares: Non-Finnish European, 0.00025%; no homozygotes.

Submissions (5):

Color Diagnostics, LLC DBA Color Health
Classification: Uncertain significance for Cardiomyopathy. Last evaluated: 2025-07-11. Review status: criteria provided, single submitter. Criteria: ACMG Guidelines, 2015. Collection method: clinical testing. Allele origin: germline.
Comment: This missense variant replaces leucine with methionine at codon 992 of the MYH7 protein. Computational prediction suggests that this variant may have a deleterious impact on protein structure and function. To our knowledge, functional studies have not been reported for this variant. This variant has been reported in at least one individual affected with hypertrophic cardiomyopathy (PMID: 25524337, 27247418, 30297972). This variant has been identified in 2/251490 chromosomes in the general population by the Genome Aggregation Database (gnomAD). The available evidence is insufficient to determine the role of this variant in disease conclusively. Therefore, this variant is classified as a Variant of Uncertain Significance.

Labcorp Genetics (formerly Invitae), Labcorp
Classification: Uncertain significance for Hypertrophic cardiomyopathy. Last evaluated: 2024-03-04. Review status: criteria provided, single submitter. Criteria: Invitae Variant Classification Sherloc (09022015). Collection method: clinical testing. Allele origin: germline.
Comment: This sequence change replaces leucine, which is neutral and non-polar, with methionine, which is neutral and non-polar, at codon 992 of the MYH7 protein (p.Leu992Met). This variant is present in population databases (rs149840927, gnomAD 0.0009%). This missense change has been observed in individual(s) with hypertrophic cardiomyopathy (PMID: 25524337, 27247418). ClinVar contains an entry for this variant (Variation ID: 181208). Advanced modeling of protein sequence and biophysical properties (such as structural, functional, and spatial information, amino acid conservation, physicochemical variation, residue mobility, and thermodynamic stability) performed at Invitae indicates that this missense variant is expected to disrupt MYH7 protein function with a positive predictive value of 95%. In summary, the available evidence is currently insufficient to determine the role of this variant in disease. Therefore, it has been classified as a Variant of Uncertain Significance.

CeGaT Center for Human Genetics Tuebingen
Classification: Uncertain significance. Last evaluated: 2024-02-01. Review status: criteria provided, single submitter. Criteria: CeGaT Center For Human Genetics Tuebingen Variant Classification Criteria Version 2. Collection method: clinical testing. Allele origin: germline. Affected: yes. Observed: 1 variant allele.
Comment: MYH7: PM2, PP3, PS4:Supporting

GeneDx
Classification: Uncertain significance. Last evaluated: 2023-05-04. Review status: criteria provided, single submitter. Criteria: GeneDx Variant Classification Process June 2021. Collection method: clinical testing. Allele origin: germline. Affected: yes.
Comment: Identified in patients with cardiomyopathy in published literature (Coppini et al., 2014; Homburger et al., 2016); Not observed at significant frequency in large population cohorts (gnomAD); In silico analysis supports that this missense variant does not alter protein structure/function; This variant is associated with the following publications: (PMID: 25524337, 27247418, 23403236)

Ambry Genetics
Classification: Uncertain significance for Cardiovascular phenotype. Last evaluated: 2023-04-21. Review status: criteria provided, single submitter. Criteria: Ambry Variant Classification Scheme 2023. Collection method: clinical testing. Allele origin: germline.
Comment: The p.L992M variant (also known as c.2974C>A), located in coding exon 22 of the MYH7 gene, results from a C to A substitution at nucleotide position 2974. The leucine at codon 992 is replaced by methionine, an amino acid with highly similar properties. This variant has been detected in cohorts with hypertrophic cardiomyopathy (Homburger JR et al. Proc Natl Acad Sci U S A, 2016 Jun;113:6701-6; Coppini R et al. J Am Coll Cardiol, 2014 Dec;64:2589-2600). This amino acid position is highly conserved in available vertebrate species. In addition, this alteration is predicted to be deleterious by in silico analysis. Since supporting evidence is limited at this time, the clinical significance of this alteration remains unclear.

Literature cited by the submitters: PubMed 25524337 (cited by 3 submitters); PubMed 27247418 (cited by 3 submitters); PubMed 30297972 (cited by Color Diagnostics, LLC DBA Color Health).